The following is an entry in ClinVar:

ClinVar aggregate classification (germline): Pathogenic (1 of 4 stars; one submission).

Conditions:
Familial cancer of breast. Also called: hereditary breast carcinoma; BREAST CANCER, FAMILIAL; Hereditary breast cancer. Identifiers: Orphanet 227535, MedGen C0346153, MONDO:0016419, OMIM 114480. Disease mechanism: loss of function.

Allele frequency attached by ClinVar (database versions not stated): gnomAD exomes below 0.00001.
gnomAD v4.1: 1 of 1,614,006 alleles (0.000062%); highest among the groups gnomAD compares: Non-Finnish European, 0.000085%; no homozygotes.

Submission:

Myriad Genetics, Inc.
Classification: Pathogenic for Familial cancer of breast. Last evaluated: 2024-02-01. Review status: criteria provided, single submitter. Criteria: Myriad Autosomal Dominant, Autosomal Recessive and X-Linked Classification Criteria (2023). Collection method: clinical testing. Allele origin: unknown.
Comment: This variant is considered pathogenic. This variant creates a termination codon and is predicted to result in premature protein truncation.

NM_000051.4(ATM):c.8332G>T (p.Glu2778Ter)

Genes: ATM (ATM serine/threonine kinase; plus strand), C11orf65 (chromosome 11 open reading frame 65; minus strand). Cytogenetic location: 11q22.3.
Variant type: single nucleotide variant.
Coding change: c.8332G>T on transcript NM_000051.4 (MANE Select); coding-DNA position 8332, G replaced by T.
Protein change: p.Glu2778Ter; replaces glutamic acid 2778 with a stop codon.
Molecular consequence: nonsense. On other transcripts: intron variant (2).
Genome position (GRCh38, 1-based): chr11:108,343,285, G>T. VCF-style: chr11-108343285-G-T. GRCh37 (hg19) VCF-style: chr11-108214012-G-T.
Other names: c.8332G>T, p.Glu2778Ter (NM_001351834.2); c.641-34214C>A (NM_001330368.2); c.695-7993C>A (NM_001351110.2); short protein forms E2778*.
Identifiers: ClinVar variation 3148075 (VCV003148075.1), dbSNP rs2136946265, ClinGen allele CA382516434.
Genomic context (GRCh38, chr11:108,343,285, plus strand): 5'-GTTCCCCTCTCTCAGCGAAGTGGTGTTCTTGAATGGTGCACAGGAACTGTCCCCATTGGT[G>T]AATTTCTTGTTAACAATGAAGATGGTGCTCATAAAAGATACAGGCCAAATGATTTCAGTG-3'